The following is an entry in ClinVar:

ClinVar aggregate classification (germline): Pathogenic (1 of 4 stars; one submission).

Conditions:
Anauxetic dysplasia. Identifiers: Orphanet 93347, MedGen C1846796, MONDO:0011773.

Submission:

Labcorp Genetics (formerly Invitae), Labcorp
Classification: Pathogenic for Anauxetic dysplasia. Last evaluated: 2023-03-03. Review status: criteria provided, single submitter. Criteria: Invitae Variant Classification Sherloc (09022015). Collection method: clinical testing. Allele origin: germline.
Comment: For these reasons, this variant has been classified as Pathogenic. While functional studies for this variant have not been reported, experimental analyses using patient derived cells, as well as in vitro transfection studies, have shown that promoter insertions result in silencing of RMRP transcription and reduced expression of the gene product (PMID: 11207361, 16254002). While this particular variant has not been reported in the literature, it is located in the promoter region between the TATA box and the transcription initiation site, and other insertions and duplications immediately upstream of the coding sequence have been reported in individuals affected with cartilage-hair hypoplasia-anauxetic dysplasia (CHH-AD) spectrum disorders (PMID: 16244706, 11207361, 12107819). This variant is not present in population databases (gnomAD no frequency). This variant occurs in the RMRP gene, which encodes an RNA molecule that does not result in a protein product.

Literature cited by the submitters: PubMed 11207361; PubMed 16254002; PubMed 16244706; PubMed 12107819.

NC_000009.12:g.35658023_35658024insTTCAGCTTCACAGACACGTC

Gene: RMRP (RNA component of mitochondrial RNA processing endoribonuclease; minus strand). Cytogenetic location: 9p13.3.
Variant type: Insertion.
Genome position: GRCh38 VCF-style: chr9-35658017-C-CCACGTCTTCAGCTTCACAGA. GRCh37 (hg19) VCF-style: chr9-35658014-C-CCACGTCTTCAGCTTCACAGA.
Identifiers: ClinVar variation 2842416 (VCV002842416.3), dbSNP rs2490602952, ClinGen allele CA2739269236.
Genomic context (GRCh38, chr9:35,658,017, plus strand): 5'-CGGAAAGGGGAGGAACAGAGTCCTCAGTGTGTAGCCTAGGATACAGGCCTTCAGCACGAA[C>CCACGTCTTCAGCTTCACAGA]CACGTCCTCAGCTTCACAGAGTAGTATTTTATAGCCCTAAAGAAATTGTGTTTTATGATT-3'